The following is an entry in ClinVar:

NM_005228.5(EGFR):c.2002A>T (p.Met668Leu)

Gene: EGFR (epidermal growth factor receptor; plus strand). Cytogenetic location: 7p11.2.
Variant type: single nucleotide variant.
Coding change: c.2002A>T on transcript NM_005228.5 (MANE Select); coding-DNA position 2002, A replaced by T.
Protein change: p.Met668Leu; replaces methionine 668 with leucine.
Molecular consequence: missense variant.
Genome position (GRCh38, 1-based): chr7:55,173,065, A>T. VCF-style: chr7-55173065-A-T. GRCh37 (hg19) VCF-style: chr7-55240758-A-T.
Other names: c.1867A>T, p.Met623Leu (NM_001346897.2, NM_001346899.2); c.2002A>T, p.Met668Leu (NM_001346898.2); c.1843A>T, p.Met615Leu (NM_001346900.2); c.1201A>T, p.Met401Leu (NM_001346941.2); short protein forms M615L, M401L, M623L, M668L.
Identifiers: ClinVar variation 2757156 (VCV002757156.4), dbSNP rs746757722, ClinGen allele CA367583106.

ClinVar aggregate classification (germline): Conflicting classifications of pathogenicity. Review status: criteria provided, conflicting classifications (1 of 4 stars). 2 submissions from 2 submitters: Uncertain significance (1); Likely benign (1). Last evaluated 2026-08-07.

Conditions:
EGFR-related lung cancer (EGFR). Identifiers: MedGen CN130014.
Hereditary cancer-predisposing syndrome. Also called: Hereditary Cancer Syndrome; Hereditary neoplastic syndrome; Neoplastic Syndromes, Hereditary; Tumor predisposition. Identifiers: Orphanet 140162, MedGen C0027672, MeSH D009386, MONDO:0015356.

Submissions (2):

Ambry Genetics
Classification: Likely benign for Hereditary cancer-predisposing syndrome. Last evaluated: 2026-08-07. Review status: criteria provided, single submitter. Criteria: Ambry Variant Classification Scheme 2023. Collection method: clinical testing. Allele origin: germline.

Labcorp Genetics (formerly Invitae), Labcorp
Classification: Uncertain significance for EGFR-related lung cancer. Last evaluated: 2023-09-01. Review status: criteria provided, single submitter. Criteria: Invitae Variant Classification Sherloc (09022015). Collection method: clinical testing. Allele origin: germline.
Comment: Advanced modeling of protein sequence and biophysical properties (such as structural, functional, and spatial information, amino acid conservation, physicochemical variation, residue mobility, and thermodynamic stability) performed at Invitae indicates that this missense variant is not expected to disrupt EGFR protein function. This variant has not been reported in the literature in individuals affected with EGFR-related conditions. This variant is not present in population databases (gnomAD no frequency). This sequence change replaces methionine, which is neutral and non-polar, with leucine, which is neutral and non-polar, at codon 668 of the EGFR protein (p.Met668Leu). In summary, the available evidence is currently insufficient to determine the role of this variant in disease. Therefore, it has been classified as a Variant of Uncertain Significance.